The following is an entry in ClinVar:

ClinVar aggregate classification (germline): Likely benign. Review status: criteria provided, multiple submitters, no conflicts (2 of 4 stars). 3 submissions from 3 submitters: Likely benign (2). 1 of the submissions does not count toward it. Last evaluated 2026-06-01.

Conditions:
PCNT-related disorder. Also called: PCNT-related condition.

Allele frequency attached by ClinVar (database versions not stated): ExAC 0.00001.
gnomAD v4.1: 13 of 1,614,040 alleles (0.00081%); highest among the groups gnomAD compares: Admixed American, 0.015%; no homozygotes.

Submissions (3):

CeGaT Center for Human Genetics Tuebingen
Classification: Likely benign. Last evaluated: 2026-06-01. Review status: criteria provided, single submitter. Criteria: CeGaT Center For Human Genetics Tuebingen Variant Classification Criteria Version 2. Collection method: clinical testing. Allele origin: germline. Affected: yes. Observed: 1 variant allele.
Comment: PCNT: BP4, BP7

Labcorp Genetics (formerly Invitae), Labcorp
Classification: Likely benign. Last evaluated: 2023-11-20. Review status: criteria provided, single submitter. Criteria: Invitae Variant Classification Sherloc (09022015). Collection method: clinical testing. Allele origin: germline.

PreventionGenetics, part of Exact Sciences
Classification: Likely benign for PCNT-related condition. Last evaluated: 2024-04-01. Review status: no assertion criteria provided. Collection method: clinical testing. Allele origin: germline. Not counted in ClinVar's aggregate classification.
Comment: This variant is classified as likely benign based on ACMG/AMP sequence variant interpretation guidelines (Richards et al. 2015 PMID: 25741868, with internal and published modifications).

NM_006031.6(PCNT):c.6186G>A (p.Pro2062=)

Gene: PCNT (pericentrin; plus strand). Cytogenetic location: 21q22.3.
Variant type: single nucleotide variant.
Coding change: c.6186G>A on transcript NM_006031.6 (MANE Select); coding-DNA position 6186, G replaced by A.
Protein change: p.Pro2062=; no amino-acid change (proline 2062 retained).
Molecular consequence: synonymous variant.
Genome position (GRCh38, 1-based): chr21:46,416,104, G>A. VCF-style: chr21-46416104-G-A. GRCh37 (hg19) VCF-style: chr21-47836018-G-A.
Other names: c.6186G>A (NM_006031.5); c.5832G>A, p.Pro1944= (NM_001315529.2).
Identifiers: ClinVar variation 2797469 (VCV002797469.6), dbSNP rs780633435, ClinGen allele CA10080276.